The following is an entry in ClinVar:

NM_206926.2(SELENON):c.-23G>C

Gene: SELENON (selenoprotein N; plus strand). Cytogenetic location: 1p36.11.
Variant type: single nucleotide variant.
Coding change: c.-23G>C on transcript NM_206926.2 (MANE Select); 23 bases upstream of the start codon, G replaced by C.
Molecular consequence: 5 prime UTR variant.
Genome position (GRCh38, 1-based): chr1:25,800,208, G>C. VCF-style: chr1-25800208-G-C. GRCh37 (hg19) VCF-style: chr1-26126699-G-C.
Other names: p.=; c.-23G>C (NM_020451.3).
Identifiers: ClinVar variation 4684778 (VCV004684778.1).

ClinVar aggregate classification (germline): Likely benign (1 of 4 stars; one submission).

Submission:

Mayo Clinic Laboratories, Mayo Clinic
Classification: Likely benign. Last evaluated: 2024-12-02. Review status: criteria provided, single submitter. Criteria: ACMG Guidelines, 2015. Collection method: clinical testing. Allele origin: germline. Observed: 1 variant allele.
Comment: BP4, BP7